The following is an entry in ClinVar:

NM_005228.5(EGFR):c.748-1G>A

Gene: EGFR (epidermal growth factor receptor; plus strand). Cytogenetic location: 7p11.2.
Variant type: single nucleotide variant.
Coding change: c.748-1G>A on transcript NM_005228.5 (MANE Select); the canonical splice acceptor site of the intron before coding-DNA position 748, G replaced by A.
Molecular consequence: splice acceptor variant. On other transcripts: intron variant (1).
Genome position (GRCh38, 1-based): chr7:55,154,010, G>A. VCF-style: chr7-55154010-G-A. GRCh37 (hg19) VCF-style: chr7-55221703-G-A.
Other names: c.613-1G>A (NM_001346899.2, NM_001346897.2); c.89-1820G>A (NM_001346941.2); c.748-1G>A (NM_001346898.2, NM_201284.2, NM_201282.2 and 1 more transcripts); c.589-1G>A (NM_001346900.2).
Identifiers: ClinVar variation 2701342 (VCV002701342.3), dbSNP rs188703146, ClinGen allele CA367577582.
Genomic context (GRCh38, chr7:55,154,010, plus strand): 5'-TCCGTGTGTGGCGCTGAGTGTACTTACCTCACTTGCCCAGCGTGTCCTCTCTCCTCCATA[G>A]GTCTGCCGCAAATTCCGAGACGAAGCCACGTGCAAGGACACCTGCCCCCCACTCATGCTC-3'

ClinVar aggregate classification (germline): Likely pathogenic (1 of 4 stars; one submission).

Conditions:
EGFR-related lung cancer (EGFR). Identifiers: MedGen CN130014.

Submission:

Labcorp Genetics (formerly Invitae), Labcorp
Classification: Likely pathogenic for EGFR-related lung cancer. Last evaluated: 2023-12-12. Review status: criteria provided, single submitter. Criteria: Invitae Variant Classification Sherloc (09022015). Collection method: clinical testing. Allele origin: germline.
Comment: This sequence change affects an acceptor splice site in intron 6 of the EGFR gene. It is expected to disrupt RNA splicing. Variants that disrupt the donor or acceptor splice site typically lead to a loss of protein function (PMID: 16199547), and loss-of-function variants in EGFR are known to be pathogenic (PMID: 7630400, 28726809, 29899996). This variant is not present in population databases (gnomAD no frequency). This variant has not been reported in the literature in individuals affected with EGFR-related conditions. Algorithms developed to predict the effect of sequence changes on RNA splicing suggest that this variant may disrupt the consensus splice site. In summary, the currently available evidence indicates that the variant is pathogenic, but additional data are needed to prove that conclusively. Therefore, this variant has been classified as Likely Pathogenic.

Literature cited by the submitters: PubMed 16199547; PubMed 7630400; PubMed 28726809; PubMed 29899996.